The following is an entry in ClinVar:

NM_020843.4(SCAPER):c.2151C>T (p.Ala717=)

Gene: SCAPER (S-phase cyclin A associated protein in the ER; minus strand). Cytogenetic location: 15q24.3.
Variant type: single nucleotide variant.
Coding change: c.2151C>T on transcript NM_020843.4 (MANE Select); coding-DNA position 2151, C replaced by T.
Protein change: p.Ala717=; no amino-acid change (alanine 717 retained).
Molecular consequence: synonymous variant. On other transcripts: non-coding transcript variant (1).
Genome position (GRCh38, 1-based): chr15:76,728,609, G>A on the plus strand (C>T on the coding strand, the complement: SCAPER is on the minus strand). VCF-style: chr15-76728609-G-A. GRCh37 (hg19) VCF-style: chr15-77020950-G-A.
Other names: c.2169C>T (NM_001353009.1); c.1413C>T, p.Ala471= (NM_001145923.2); c.2169C>T, p.Ala723= (NM_001353009.2); c.1749C>T, p.Ala583= (NM_001353010.2, NM_001353012.2); c.1767C>T, p.Ala589= (NM_001353011.2).
Identifiers: ClinVar variation 4925969 (VCV004925969.2).

ClinVar aggregate classification (germline): Likely benign. Review status: criteria provided, multiple submitters, no conflicts (2 of 4 stars). 2 submissions from 2 submitters: Likely benign (2). Last evaluated 2025-01-02.

Conditions:
SCAPER-related disorder. Also called: SCAPER-related condition.

gnomAD v4.1: 160 of 1,613,402 alleles (0.0099%); highest among the groups gnomAD compares: Middle Eastern, 0.016%; no homozygotes.

Submissions (2):

PreventionGenetics, part of Exact Sciences
Classification: Likely benign for SCAPER-related condition. Last evaluated: 2025-01-02. Review status: criteria provided, single submitter. Criteria: ACMG Guidelines, 2015. Collection method: clinical testing. Allele origin: germline.
Comment: This variant is classified as likely benign based on ACMG/AMP sequence variant interpretation guidelines (Richards et al. 2015 PMID: 25741868, with internal and published modifications).

Blueprint Genetics
Classification: Likely benign. Last evaluated: 2024-01-09. Review status: criteria provided, single submitter. Criteria: ACMG Guidelines, 2015. Collection method: clinical testing. Allele origin: germline.